The following is an entry in ClinVar:

NM_182961.4(SYNE1):c.6549G>C (p.Glu2183Asp)

Gene: SYNE1 (spectrin repeat containing nuclear envelope protein 1; minus strand). Cytogenetic location: 6q25.2.
Variant type: single nucleotide variant.
Coding change: c.6549G>C on transcript NM_182961.4 (MANE Select); coding-DNA position 6549, G replaced by C.
Protein change: p.Glu2183Asp; replaces glutamic acid 2183 with aspartic acid.
Molecular consequence: missense variant.
Genome position (GRCh38, 1-based): chr6:152,407,188, C>G on the plus strand (G>C on the coding strand, the complement: SYNE1 is on the minus strand). VCF-style: chr6-152407188-C-G. GRCh37 (hg19) VCF-style: chr6-152728323-C-G.
Other names: c.6570G>C (NM_033071.3); c.6570G>C, p.Glu2190Asp (NM_033071.5); short protein forms E2183D, E2190D.
Identifiers: ClinVar variation 282474 (VCV000282474.13), dbSNP rs144797998, ClinGen allele CA4058032.

ClinVar aggregate classification (germline): Uncertain significance. Review status: criteria provided, multiple submitters, no conflicts (2 of 4 stars). 4 submissions from 4 submitters: Uncertain significance (4). Last evaluated 2023-10-31.

Conditions:
Autosomal recessive ataxia, Beauce type. Also called: Spinocerebellar ataxia, autosomal recessive 8; ATAXIA, RECESSIVE, OF BEAUCE; SYNE1-Related Autosomal Recessive Cerebellar Ataxia; SYNE1 Deficiency. Identifiers: Orphanet 88644, MedGen C1853116, MONDO:0012549, OMIM 610743.
Emery-Dreifuss muscular dystrophy 4, autosomal dominant (EDMD4). Also called: EMERY-DREIFUSS MUSCULAR DYSTROPHY 4 WITH VARIABLE FEATURES. Identifiers: Orphanet 261, MedGen C2751807, MONDO:0013071, OMIM 612998.

Allele frequency attached by ClinVar (database versions not stated): TOPMed 0.00010; gnomAD 0.00012 and 0.00013; ExAC 0.00014; ESP Exome Variant Server 0.00015.
gnomAD v4.1: 203 of 1,613,742 alleles (0.013%); highest among the groups gnomAD compares: Non-Finnish European, 0.016%; 1 homozygote.

Submissions (4):

Revvity Omics, Revvity
Classification: Uncertain significance. Last evaluated: 2023-10-31. Review status: criteria provided, single submitter. Criteria: ACMG Guidelines, 2015. Collection method: clinical testing. Allele origin: germline.

Labcorp Genetics (formerly Invitae), Labcorp
Classification: Uncertain significance for Emery-Dreifuss muscular dystrophy 4, autosomal dominant; Autosomal recessive ataxia, Beauce type. Last evaluated: 2022-07-06. Review status: criteria provided, single submitter. Criteria: Invitae Variant Classification Sherloc (09022015). Collection method: clinical testing. Allele origin: germline.
Comment: This sequence change replaces glutamic acid, which is acidic and polar, with aspartic acid, which is acidic and polar, at codon 2190 of the SYNE1 protein (p.Glu2190Asp). This variant is present in population databases (rs144797998, gnomAD 0.02%). This variant has not been reported in the literature in individuals affected with SYNE1-related conditions. ClinVar contains an entry for this variant (Variation ID: 282474). Algorithms developed to predict the effect of missense changes on protein structure and function are either unavailable or do not agree on the potential impact of this missense change (SIFT: "Deleterious"; PolyPhen-2: "Benign"; Align-GVGD: "Class C35"). In summary, the available evidence is currently insufficient to determine the role of this variant in disease. Therefore, it has been classified as a Variant of Uncertain Significance.

Fulgent Genetics
Classification: Uncertain significance for Autosomal recessive ataxia, Beauce type; Emery-Dreifuss muscular dystrophy 4, autosomal dominant. Last evaluated: 2018-10-31. Review status: criteria provided, single submitter. Criteria: ACMG Guidelines, 2015. Collection method: clinical testing. Allele origin: unknown.

Eurofins Ntd Llc (ga)
Classification: Uncertain significance. Last evaluated: 2016-12-05. Review status: criteria provided, single submitter. Criteria: EGL Classification Definitions 2015. Collection method: clinical testing. Allele origin: germline. Observed: 2 variant alleles, 2 heterozygotes.